The following is an entry in ClinVar:

NM_022772.4(EPS8L2):c.984+3G>A

Gene: EPS8L2 (EPS8 signaling adaptor L2; plus strand). Cytogenetic location: 11p15.5.
Variant type: single nucleotide variant.
Coding change: c.984+3G>A on transcript NM_022772.4 (MANE Select); 3 bases into the intron after coding-DNA position 984, G replaced by A.
Molecular consequence: intron variant.
Genome position (GRCh38, 1-based): chr11:721,994, G>A. VCF-style: chr11-721994-G-A. GRCh37 (hg19) VCF-style: chr11-721994-G-A.
Other names: c.984+3G>A (NM_022772.3).
Identifiers: ClinVar variation 1440917 (VCV001440917.6), dbSNP rs761539829, ClinGen allele CA5787394.

ClinVar aggregate classification (germline): Uncertain significance. Review status: criteria provided, single submitter (1 of 4 stars). 2 submissions from 2 submitters: Uncertain significance (1). 1 of the submissions does not count toward it. Last evaluated 2024-02-23.

Conditions:
EPS8L2-related disorder. Also called: EPS8L2-related condition.

Allele frequency attached by ClinVar (database versions not stated): gnomAD 0.00001; gnomAD exomes 0.00002 and 0.00004; TOPMed 0.00005; ExAC 0.00007.
gnomAD v4.1: 14 of 1,605,836 alleles (0.00087%); highest among the groups gnomAD compares: Admixed American, 0.024%; no homozygotes.

Submissions (2):

Labcorp Genetics (formerly Invitae), Labcorp
Classification: Uncertain significance. Last evaluated: 2024-02-23. Review status: criteria provided, single submitter. Criteria: Invitae Variant Classification Sherloc (09022015). Collection method: clinical testing. Allele origin: germline.
Comment: This sequence change falls in intron 11 of the EPS8L2 gene. It does not directly change the encoded amino acid sequence of the EPS8L2 protein. It affects a nucleotide within the consensus splice site. This variant is present in population databases (rs761539829, gnomAD 0.03%). This variant has not been reported in the literature in individuals affected with EPS8L2-related conditions. ClinVar contains an entry for this variant (Variation ID: 1440917). Variants that disrupt the consensus splice site are a relatively common cause of aberrant splicing (PMID: 17576681, 9536098). Algorithms developed to predict the effect of sequence changes on RNA splicing suggest that this variant is not likely to affect RNA splicing. In summary, the available evidence is currently insufficient to determine the role of this variant in disease. Therefore, it has been classified as a Variant of Uncertain Significance.

PreventionGenetics, part of Exact Sciences
Classification: Likely benign for EPS8L2-related condition. Last evaluated: 2024-07-03. Review status: no assertion criteria provided. Collection method: clinical testing. Allele origin: germline. Not counted in ClinVar's aggregate classification.
Comment: This variant is classified as likely benign based on ACMG/AMP sequence variant interpretation guidelines (Richards et al. 2015 PMID: 25741868, with internal and published modifications).

Literature cited by the submitters: PubMed 17576681 (cited by Labcorp Genetics (formerly Invitae), Labcorp); PubMed 9536098 (cited by Labcorp Genetics (formerly Invitae), Labcorp).